The following is an entry in ClinVar:

NM_139076.3(ABRAXAS1):c.381C>G (p.Asn127Lys)

Gene: ABRAXAS1 (abraxas 1, BRCA1 A complex subunit; minus strand). Cytogenetic location: 4q21.23.
Variant type: single nucleotide variant.
Coding change: c.381C>G on transcript NM_139076.3 (MANE Select); coding-DNA position 381, C replaced by G.
Protein change: p.Asn127Lys; replaces asparagine 127 with lysine.
Molecular consequence: missense variant.
Genome position (GRCh38, 1-based): chr4:83,470,298, G>C on the plus strand (C>G on the coding strand, the complement: ABRAXAS1 is on the minus strand). VCF-style: chr4-83470298-G-C. GRCh37 (hg19) VCF-style: chr4-84391451-G-C.
Other names: c.54C>G, p.Asn18Lys (NM_001345962.2); short protein forms N127K, N18K.
Identifiers: ClinVar variation 2051774 (VCV002051774.4), dbSNP rs201470211, ClinGen allele CA2990563.

ClinVar aggregate classification (germline): Uncertain significance (1 of 4 stars; one submission).

gnomAD v4.1: 11 of 1,613,612 alleles (0.00068%); highest among the groups gnomAD compares: Non-Finnish European, 0.00093%; no homozygotes.

Submission:

Labcorp Genetics (formerly Invitae), Labcorp
Classification: Uncertain significance. Last evaluated: 2022-09-01. Review status: criteria provided, single submitter. Criteria: Invitae Variant Classification Sherloc (09022015). Collection method: clinical testing. Allele origin: germline.
Comment: In summary, the available evidence is currently insufficient to determine the role of this variant in disease. Therefore, it has been classified as a Variant of Uncertain Significance. Algorithms developed to predict the effect of missense changes on protein structure and function are either unavailable or do not agree on the potential impact of this missense change (SIFT: "Deleterious"; PolyPhen-2: "Benign"; Align-GVGD: "Class C0"). This variant has not been reported in the literature in individuals affected with ABRAXAS1-related conditions. This variant is present in population databases (rs201470211, gnomAD 0.003%). This sequence change replaces asparagine, which is neutral and polar, with lysine, which is basic and polar, at codon 127 of the ABRAXAS1 protein (p.Asn127Lys).